The following is an entry in ClinVar:

NM_057175.5(NAA15):c.725A>G (p.Asp242Gly)

Gene: NAA15 (N-alpha-acetyltransferase 15, NatA auxiliary subunit; plus strand). Cytogenetic location: 4q31.1.
Variant type: single nucleotide variant.
Coding change: c.725A>G on transcript NM_057175.5 (MANE Select); coding-DNA position 725, A replaced by G.
Protein change: p.Asp242Gly; replaces aspartic acid 242 with glycine.
Molecular consequence: missense variant.
Genome position (GRCh38, 1-based): chr4:139,349,495, A>G. VCF-style: chr4-139349495-A-G. GRCh37 (hg19) VCF-style: chr4-140270649-A-G.
Other names: c.725A>G, p.Asp242Gly (NM_001410842.1); short protein forms D242G.
Identifiers: ClinVar variation 3654356 (VCV003654356.2).
Genomic context (GRCh38, chr4:139,349,495, plus strand): 5'-ATTTTTTTTTTTTCTGTTTTTAATCAGGGGAACTTCTGTTGCAACTATGTCGTTTGGAAG[A>G]TGCTGCAGATGTTTATAGAGGATTGCAAGAGAGAAATCCTGAAAACTGGGCCTATTACAA-3'
Protein context (NP_476516.1, residues 232-252): ELLLQLCRLE[Asp242Gly]AADVYRGLQE

ClinVar aggregate classification (germline): Uncertain significance (1 of 4 stars; one submission).

Submission:

Labcorp Genetics (formerly Invitae), Labcorp
Classification: Uncertain significance. Last evaluated: 2024-05-23. Review status: criteria provided, single submitter. Criteria: Invitae Variant Classification Sherloc (09022015). Collection method: clinical testing. Allele origin: germline.
Comment: This sequence change replaces aspartic acid, which is acidic and polar, with glycine, which is neutral and non-polar, at codon 242 of the NAA15 protein (p.Asp242Gly). This variant is not present in population databases (gnomAD no frequency). This variant has not been reported in the literature in individuals affected with NAA15-related conditions. An algorithm developed to predict the effect of missense changes on protein structure and function (PolyPhen-2) suggests that this variant is likely to be tolerated. In summary, the available evidence is currently insufficient to determine the role of this variant in disease. Therefore, it has been classified as a Variant of Uncertain Significance.